The following is an entry in ClinVar:

NM_000548.5(TSC2):c.3300G>A (p.Val1100=)

Gene: TSC2 (TSC complex subunit 2; plus strand). Cytogenetic location: 16p13.3.
Variant type: single nucleotide variant.
Coding change: c.3300G>A on transcript NM_000548.5 (MANE Select); coding-DNA position 3300, G replaced by A.
Protein change: p.Val1100=; no amino-acid change (valine 1100 retained).
Molecular consequence: synonymous variant. On other transcripts: non-coding transcript variant (5).
Genome position (GRCh38, 1-based): chr16:2,079,572, G>A. VCF-style: chr16-2079572-G-A. GRCh37 (hg19) VCF-style: chr16-2129573-G-A.
Other names: c.3168G>A, p.Val1056= (NM_001077183.3, NM_001370404.1, NM_001406665.1); c.3300G>A, p.Val1100= (NM_001114382.3); c.3060G>A, p.Val1020= (NM_001318827.2); c.3024G>A, p.Val1008= (NM_001318829.2); c.2568G>A, p.Val856= (NM_001318831.2, NM_001406687.1, NM_001406688.1); c.3201G>A, p.Val1067= (NM_001318832.2); c.3171G>A, p.Val1057= (NM_001363528.2, NM_001370405.1, NM_021055.3); c.3297G>A, p.Val1099= (NM_001406663.1, NM_001406664.1); and 18 more.
Identifiers: ClinVar variation 1692492 (VCV001692492.9), dbSNP rs765436350, ClinGen allele CA045658.

ClinVar aggregate classification (germline): Conflicting classifications of pathogenicity. Review status: criteria provided, conflicting classifications (1 of 4 stars). 3 submissions from 3 submitters: Uncertain significance (1); Benign (1); Likely benign (1). Last evaluated 2023-12-04.

Conditions:
Hereditary cancer-predisposing syndrome. Also called: Neoplastic Syndromes, Hereditary; Hereditary Cancer Syndrome; Tumor predisposition; Hereditary neoplastic syndrome. Identifiers: Orphanet 140162, MedGen C0027672, MeSH D009386, MONDO:0015356.
Tuberous sclerosis 2 (TSC2). Identifiers: Orphanet 805, MedGen C1860707, MONDO:0013199, OMIM 613254.

Allele frequency attached by ClinVar (database versions not stated): gnomAD exomes below 0.00001 and 0.00001; ExAC 0.00001.
gnomAD v4.1: 2 of 1,611,234 alleles (0.00012%); highest among the groups gnomAD compares: Non-Finnish European, 0.00017%; no homozygotes.

Submissions (3):

Labcorp Genetics (formerly Invitae), Labcorp
Classification: Benign for Tuberous sclerosis 2. Last evaluated: 2023-12-04. Review status: criteria provided, single submitter. Criteria: Invitae Variant Classification Sherloc (09022015). Collection method: clinical testing. Allele origin: germline.

Ambry Genetics
Classification: Likely benign for Hereditary cancer-predisposing syndrome. Last evaluated: 2022-11-12. Review status: criteria provided, single submitter. Criteria: Ambry Variant Classification Scheme 2023. Collection method: clinical testing. Allele origin: germline.

Sema4
Classification: Uncertain significance for Hereditary cancer-predisposing syndrome. Last evaluated: 2022-02-05. Review status: criteria provided, single submitter. Criteria: Sema4 Curation Guidelines. Collection method: curation. Allele origin: germline.
Comment: The TSC2 c.3300G>A (p.V1100=) variant has not been reported in the literature to our knowledge. It was observed in 2/109690 chromosomes of the Non-Finnish European (NFE) subpopulation in the large and broad cohorts of the Genome Aggregation Database (PMID: 32461654). This variant has not been reported in ClinVar. In silico tools that predict the effect of sequence changes on splicing suggest that this variant may/may not impact splicing, though these predictions have not been confirmed by functional studies. The evidence is insufficient to meet ACMG/AMP criteria for classifying the variant as benign or pathogenic. Thus, the clinical significance of this variant is currently uncertain.